The following is an entry in ClinVar:

ClinVar aggregate classification (germline): Benign/Likely benign. Review status: criteria provided, multiple submitters, no conflicts (2 of 4 stars). 3 submissions from 3 submitters: Benign (1); Likely benign (1). 1 of the submissions does not count toward it. Last evaluated 2025-11-02.

Conditions:
CIT-related disorder. Also called: CIT-related condition.

Allele frequency attached by ClinVar (database versions not stated): TOPMed 0.00014; gnomAD exomes 0.00035 and 0.00080; 1000 Genomes Project 30x 0.00047; gnomAD 0.00055 and 0.00062; 1000 Genomes Project 0.00060; ExAC 0.00073.
gnomAD v4.1: 623 of 1,614,082 alleles (0.039%); highest among the groups gnomAD compares: East Asian, 0.11%; 3 homozygotes.

Submissions (3):

Labcorp Genetics (formerly Invitae), Labcorp
Classification: Benign. Last evaluated: 2025-11-02. Review status: criteria provided, single submitter. Criteria: Invitae Variant Classification Sherloc (09022015). Collection method: clinical testing. Allele origin: germline.

CeGaT Center for Human Genetics Tuebingen
Classification: Likely benign. Last evaluated: 2022-07-01. Review status: criteria provided, single submitter. Criteria: CeGaT Center For Human Genetics Tuebingen Variant Classification Criteria Version 2. Collection method: clinical testing. Allele origin: germline. Affected: yes. Observed: 2 variant alleles.
Comment: CIT: PP2, BS2

PreventionGenetics, part of Exact Sciences
Classification: Likely benign for CIT-related condition. Last evaluated: 2019-08-09. Review status: no assertion criteria provided. Collection method: clinical testing. Allele origin: germline. Not counted in ClinVar's aggregate classification.
Comment: This variant is classified as likely benign based on ACMG/AMP sequence variant interpretation guidelines (Richards et al. 2015 PMID: 25741868, with internal and published modifications).

NM_001206999.2(CIT):c.922T>G (p.Ser308Ala)

Gene: CIT (citron rho-interacting serine/threonine kinase; minus strand). Cytogenetic location: 12q24.23.
Variant type: single nucleotide variant.
Coding change: c.922T>G on transcript NM_001206999.2 (MANE Select); coding-DNA position 922, T replaced by G.
Protein change: p.Ser308Ala; replaces serine 308 with alanine.
Molecular consequence: missense variant.
Genome position (GRCh38, 1-based): chr12:119,825,200, A>C on the plus strand (T>G on the coding strand, the complement: CIT is on the minus strand). VCF-style: chr12-119825200-A-C. GRCh37 (hg19) VCF-style: chr12-120263004-A-C.
Other names: c.922T>G, p.Ser308Ala (NM_007174.3); c.922T>G (NM_001206999.1); short protein forms S308A.
Identifiers: ClinVar variation 1675515 (VCV001675515.39), dbSNP rs190275140, ClinGen allele CA6822262.